The following is an entry in ClinVar:

NM_001044385.3(TMEM237):c.1031G>C (p.Ser344Thr)

Gene: TMEM237 (transmembrane protein 237; minus strand). Cytogenetic location: 2q33.1.
Variant type: single nucleotide variant.
Coding change: c.1031G>C on transcript NM_001044385.3 (MANE Select); coding-DNA position 1031, G replaced by C.
Protein change: p.Ser344Thr; replaces serine 344 with threonine.
Molecular consequence: missense variant.
Genome position (GRCh38, 1-based): chr2:201,627,327, C>G on the plus strand (G>C on the coding strand, the complement: TMEM237 is on the minus strand). VCF-style: chr2-201627327-C-G. GRCh37 (hg19) VCF-style: chr2-202492050-C-G.
Other names: c.1007G>C, p.Ser336Thr (NM_152388.4); short protein forms S336T, S344T.
Identifiers: ClinVar variation 1058612 (VCV001058612.5), dbSNP rs576982977, ClinGen allele CA2056326.

ClinVar aggregate classification (germline): Uncertain significance. Review status: criteria provided, multiple submitters, no conflicts (2 of 4 stars). 2 submissions from 2 submitters: Uncertain significance (2). Last evaluated 2022-09-13.

Conditions:
Joubert syndrome 14 (JBTS14). Identifiers: MedGen C3280766, MONDO:0013745, OMIM 614424.

Allele frequency attached by ClinVar (database versions not stated): ExAC 0.00001; gnomAD exomes 0.00001; gnomAD 0.00009 and 0.00010; TOPMed 0.00009.
gnomAD v4.1: 35 of 1,603,722 alleles (0.0022%); highest among the groups gnomAD compares: African/African-American, 0.033%; no homozygotes.

Submissions (2):

Labcorp Genetics (formerly Invitae), Labcorp
Classification: Uncertain significance for Joubert syndrome 14. Last evaluated: 2022-09-13. Review status: criteria provided, single submitter. Criteria: Invitae Variant Classification Sherloc (09022015). Collection method: clinical testing. Allele origin: germline.
Comment: This sequence change replaces serine, which is neutral and polar, with threonine, which is neutral and polar, at codon 344 of the TMEM237 protein (p.Ser344Thr). This variant is present in population databases (rs576982977, gnomAD 0.02%). This variant has not been reported in the literature in individuals affected with TMEM237-related conditions. ClinVar contains an entry for this variant (Variation ID: 1058612). Advanced modeling of protein sequence and biophysical properties (such as structural, functional, and spatial information, amino acid conservation, physicochemical variation, residue mobility, and thermodynamic stability) performed at Invitae indicates that this missense variant is not expected to disrupt TMEM237 protein function. In summary, the available evidence is currently insufficient to determine the role of this variant in disease. Therefore, it has been classified as a Variant of Uncertain Significance.

Blueprint Genetics
Classification: Uncertain significance. Last evaluated: 2021-08-05. Review status: criteria provided, single submitter. Criteria: ACMG Guidelines, 2015. Collection method: clinical testing. Allele origin: germline.